The following is an entry in ClinVar:

ClinVar aggregate classification (germline): Uncertain significance (1 of 4 stars; one submission).

Conditions:
Developmental and epileptic encephalopathy, 64. Also called: EPILEPTIC ENCEPHALOPATHY, EARLY INFANTILE, 64. Identifiers: MedGen C4693899, MONDO:0033373, OMIM 618004.

Submission:

Neuberg Centre For Genomic Medicine, NCGM
Classification: Uncertain significance for Developmental and epileptic encephalopathy, 64. Review status: criteria provided, single submitter. Criteria: ACMG Guidelines, 2015. Collection method: clinical testing. Allele origin: germline. Inheritance: Autosomal dominant inheritance. Affected: yes.
Comment: The missense variant c.1179G>T(p.Leu393Phe) in SCN8A gene has not been reported previously as a pathogenic variant nor as a benign variant, to our knowledge. The p.Leu393Phe variant is novel (not in any individuals) in gnomAD Exomes and 1000 Genomes. The amino acid Leu at position 393 is changed to a Phe changing protein sequence and it might alter its composition and physico-chemical properties. The variant is predicted to be damaging by both SIFT and PolyPhen2. The residue is conserved across species. The amino acid change p.Leu393Phe in SCN8A is predicted as conserved by GERP++ and PhyloP across 100 vertebrates. For these reasons, this variant has been classified as Variant of Uncertain Significance (VUS).

NM_001330260.2(SCN8A):c.1179G>T (p.Leu393Phe)

Gene: SCN8A (sodium voltage-gated channel alpha subunit 8; plus strand). Cytogenetic location: 12q13.13.
Variant type: single nucleotide variant.
Coding change: c.1179G>T on transcript NM_001330260.2 (MANE Select); coding-DNA position 1179, G replaced by T.
Protein change: p.Leu393Phe; replaces leucine 393 with phenylalanine.
Molecular consequence: missense variant.
Genome position (GRCh38, 1-based): chr12:51,705,461, G>T. VCF-style: chr12-51705461-G-T. GRCh37 (hg19) VCF-style: chr12-52099245-G-T.
Other names: c.1179G>T, p.Leu393Phe (NM_001177984.3, NM_001369788.1, NM_014191.4); short protein forms L393F.
Identifiers: ClinVar variation 2585242 (VCV002585242.1), dbSNP rs1436182610, ClinGen allele CA385227676.